The following is an entry in ClinVar:

NM_032578.4(MYPN):c.140C>A (p.Pro47His)

Gene: MYPN (myopalladin; plus strand). Cytogenetic location: 10q21.3.
Variant type: single nucleotide variant.
Coding change: c.140C>A on transcript NM_032578.4 (MANE Select); coding-DNA position 140, C replaced by A.
Protein change: p.Pro47His; replaces proline 47 with histidine.
Molecular consequence: missense variant. On other transcripts: 5 prime UTR variant (1), non-coding transcript variant (1).
Genome position (GRCh38, 1-based): chr10:68,121,578, C>A. VCF-style: chr10-68121578-C-A. GRCh37 (hg19) VCF-style: chr10-69881335-C-A.
Other names: c.140C>A, p.Pro47His (NM_001256267.2); c.-983C>A (NM_001256268.2); short protein forms P47H.
Identifiers: ClinVar variation 3228154 (VCV003228154.1), dbSNP rs777446804, ClinGen allele CA377103688.

ClinVar aggregate classification (germline): Uncertain significance (1 of 4 stars; one submission).

Conditions:
Cardiovascular phenotype. Identifiers: MedGen CN230736.

Submission:

Ambry Genetics
Classification: Uncertain significance for Cardiovascular phenotype. Last evaluated: 2023-10-29. Review status: criteria provided, single submitter. Criteria: Ambry Variant Classification Scheme 2023. Collection method: clinical testing. Allele origin: germline.
Comment: The p.P47H variant (also known as c.140C>A), located in coding exon 1 of the MYPN gene, results from a C to A substitution at nucleotide position 140. The proline at codon 47 is replaced by histidine, an amino acid with similar properties. This amino acid position is conserved. In addition, this alteration is predicted to be tolerated by in silico analysis. Since supporting evidence is limited at this time, the clinical significance of this alteration remains unclear.